The following is an entry in ClinVar:

GRCh37/hg19 Xq22.2(chrX:102615641-103309503)x1

Genes: H2BW2 (H2B.W histone 2; plus strand), MORF4L2 (mortality factor 4 like 2; minus strand), TMEM31 (transmembrane protein 31; plus strand), TMSB15B (thymosin beta 15B; plus strand), H2BW1 (H2B.W histone 1; minus strand) and 7 more. Cytogenetic location: Xq22.2.
Variant type: copy number loss.
Change: copy number 1 of chrX:102,615,641-103,309,503 (693.9 kb, GRCh37 coordinates, 1-based), cytogenetic band Xq22.2.
Identifiers: ClinVar variation 691845 (VCV000691845.2).

ClinVar aggregate classification (germline): Pathogenic (0 of 4 stars; one submission).

Conditions:
Early Onset Neurological Disease Trait.

Submission:

Lupski Lab, Baylor-Hopkins CMG, Baylor College of Medicine
Classification: Pathogenic for Early Onset Neurological Disease Trait. Review status: no assertion criteria provided. Collection method: research. Allele origin: de novo. Inheritance: X-linked inheritance. Affected: yes. Observed: 1 variant allele.